The following is an entry in ClinVar:

ClinVar aggregate classification (germline): Uncertain significance (1 of 4 stars; one submission).

Conditions:
Hereditary cancer-predisposing syndrome. Also called: Neoplastic Syndromes, Hereditary; Tumor predisposition; Hereditary neoplastic syndrome; Hereditary Cancer Syndrome. Identifiers: Orphanet 140162, MedGen C0027672, MeSH D009386, MONDO:0015356.
Cardiovascular phenotype. Identifiers: MedGen CN230736.

Submission:

Ambry Genetics
Classification: Uncertain significance for Cardiovascular phenotype; Hereditary cancer-predisposing syndrome. Last evaluated: 2019-03-20. Review status: criteria provided, single submitter. Criteria: Ambry Variant Classification Scheme 2023. Collection method: clinical testing. Allele origin: germline.
Comment: The c.6756+4C>A intronic variant results from a C to A substitution 4 nucleotides after coding exon 44 in the NF1 gene. This nucleotide position is well conserved in available vertebrate species. Using the BDGP and ESEfinder splice site prediction tools, this alteration is not predicted to have any significant effect on this splice donor site; however, direct evidence is unavailable. Since supporting evidence is limited at this time, the clinical significance of this alteration remains unclear.

NM_001042492.3(NF1):c.6819+4C>A

Gene: NF1 (neurofibromin 1; plus strand). Cytogenetic location: 17q11.2.
Variant type: single nucleotide variant.
Coding change: c.6819+4C>A on transcript NM_001042492.3 (MANE Select); 4 bases into the intron after coding-DNA position 6819, C replaced by A.
Molecular consequence: intron variant.
Genome position (GRCh38, 1-based): chr17:31,338,143, C>A. VCF-style: chr17-31338143-C-A. GRCh37 (hg19) VCF-style: chr17-29665161-C-A.
Other names: c.6756+4C>A (NM_000267.4).
Identifiers: ClinVar variation 826602 (VCV000826602.4), dbSNP rs755135948, ClinGen allele CA915949963.